The following is an entry in ClinVar:

ClinVar aggregate classification (germline): Pathogenic/Likely pathogenic. Review status: criteria provided, multiple submitters, no conflicts (2 of 4 stars). 2 submissions from 2 submitters: Pathogenic (1); Likely pathogenic (1). Last evaluated 2024-11-08.

Conditions:
IQCB1-related disorder. Also called: IQCB1-related condition.
Nephronophthisis. Also called: Juvenile Nephronophthisis. Identifiers: Orphanet 655, MedGen C0687120, MONDO:0019005, HP:0000090.

Allele frequency attached by ClinVar (database versions not stated): gnomAD exomes below 0.00001; gnomAD 0.00001.
gnomAD v4.1: 2 of 1,555,506 alleles (0.00013%); highest among the groups gnomAD compares: African/African-American, 0.0027%; no homozygotes.

Submissions (2):

Labcorp Genetics (formerly Invitae), Labcorp
Classification: Pathogenic for Nephronophthisis. Last evaluated: 2024-11-08. Review status: criteria provided, single submitter. Criteria: Invitae Variant Classification Sherloc (09022015). Collection method: clinical testing. Allele origin: germline.
Comment: This sequence change creates a premature translational stop signal (p.Glu34*) in the IQCB1 gene. It is expected to result in an absent or disrupted protein product. Loss-of-function variants in IQCB1 are known to be pathogenic (PMID: 15723066, 21901789, 23559409, 28041643). This variant is not present in population databases (gnomAD no frequency). This variant has not been reported in the literature in individuals affected with IQCB1-related conditions. ClinVar contains an entry for this variant (Variation ID: 2955923). For these reasons, this variant has been classified as Pathogenic.

Blueprint Genetics
Classification: Likely pathogenic for IQCB1-related disorders. Last evaluated: 2022-02-07. Review status: criteria provided, single submitter. Criteria: ACMG Guidelines, 2015. Collection method: clinical testing. Allele origin: germline. Affected: yes. Observed: 1 variant allele.

Literature cited by the submitters: PubMed 15723066 (cited by Labcorp Genetics (formerly Invitae), Labcorp); PubMed 21901789 (cited by Labcorp Genetics (formerly Invitae), Labcorp); PubMed 23559409 (cited by Labcorp Genetics (formerly Invitae), Labcorp); PubMed 28041643 (cited by Labcorp Genetics (formerly Invitae), Labcorp).

NM_001023570.4(IQCB1):c.100G>T (p.Glu34Ter)

Gene: IQCB1 (IQ motif containing B1; minus strand). Cytogenetic location: 3q13.33.
Variant type: single nucleotide variant.
Coding change: c.100G>T on transcript NM_001023570.4 (MANE Select); coding-DNA position 100, G replaced by T.
Protein change: p.Glu34Ter; replaces glutamic acid 34 with a stop codon.
Molecular consequence: nonsense. On other transcripts: non-coding transcript variant (1).
Genome position (GRCh38, 1-based): chr3:121,828,861, C>A on the plus strand (G>T on the coding strand, the complement: IQCB1 is on the minus strand). VCF-style: chr3-121828861-C-A. GRCh37 (hg19) VCF-style: chr3-121547708-C-A.
Other names: c.100G>T, p.Glu34Ter (NM_001023571.4, NM_001319107.2); short protein forms E34*.
Identifiers: ClinVar variation 2955923 (VCV002955923.6), dbSNP rs1193996130, ClinGen allele CA354114599.